The following is an entry in ClinVar:

NM_006393.3(NEBL):c.2997A>G (p.Thr999=)

Gene: NEBL (nebulette; minus strand). Cytogenetic location: 10p12.31.
Variant type: single nucleotide variant.
Coding change: c.2997A>G on transcript NM_006393.3 (MANE Select); coding-DNA position 2997, A replaced by G.
Protein change: p.Thr999=; no amino-acid change (threonine 999 retained).
Molecular consequence: synonymous variant. On other transcripts: 3 prime UTR variant (1).
Genome position (GRCh38, 1-based): chr10:20,785,795, T>C on the plus strand (A>G on the coding strand, the complement: NEBL is on the minus strand). VCF-style: chr10-20785795-T-C. GRCh37 (hg19) VCF-style: chr10-21074724-T-C.
Other names: p.T999T:ACA>ACG; c.*88A>G (NM_001173484.2); c.858A>G, p.Thr286= (NM_001377322.1); c.717A>G, p.Thr239= (NM_001377323.1); c.708A>G, p.Thr236= (NM_001377324.1); c.699A>G, p.Thr233= (NM_001377325.1); c.657A>G, p.Thr219= (NM_001377326.1, NM_001377327.1, NM_001377328.1); c.765A>G, p.Thr255= (NM_213569.2).
Identifiers: ClinVar variation 45497 (VCV000045497.20), dbSNP rs2296614, ClinGen allele CA136444.

ClinVar aggregate classification (germline): Benign/Likely benign. Review status: criteria provided, multiple submitters, no conflicts (2 of 4 stars). 6 submissions from 6 submitters: Benign (5); Likely benign (1). Last evaluated 2026-02-04.

Conditions:
Primary dilated cardiomyopathy (DCM). Also called: Dilated Cardiomyopathy. Identifiers: Orphanet 217604, MedGen C0007193, MeSH D002311, MONDO:0005021, HP:0001644. Inheritance: Various modes of inheritance.

Allele frequency attached by ClinVar (database versions not stated): 1000 Genomes Project 0.06669; 1000 Genomes Project 30x 0.07261; gnomAD exomes 0.07543 and 0.07998; ExAC 0.07791; gnomAD 0.08600 and 0.08806; TOPMed 0.09233; ESP Exome Variant Server 0.09296.
gnomAD v4.1: 123,507 of 1,613,892 alleles (7.7%); highest among the groups gnomAD compares: Admixed American, 14%; 5,309 homozygotes.

Submissions (6):

Labcorp Genetics (formerly Invitae), Labcorp
Classification: Benign for Primary dilated cardiomyopathy. Last evaluated: 2026-02-04. Review status: criteria provided, single submitter. Criteria: Invitae Variant Classification Sherloc (09022015). Collection method: clinical testing. Allele origin: germline.

Women's Health and Genetics/Laboratory Corporation of America, LabCorp
Classification: Benign. Last evaluated: 2023-04-10. Review status: criteria provided, single submitter. Criteria: LabCorp Variant Classification Summary - May 2015. Collection method: clinical testing. Allele origin: germline.

Ambry Genetics
Classification: Likely benign. Last evaluated: 2022-05-17. Review status: criteria provided, single submitter. Criteria: Ambry Variant Classification Scheme 2023. Collection method: clinical testing. Allele origin: germline.

GeneDx
Classification: Benign. Last evaluated: 2014-01-17. Review status: criteria provided, single submitter. Criteria: GeneDx Variant Classification (06012015). Collection method: clinical testing. Allele origin: germline. Affected: yes.
Comment: This variant is considered likely benign or benign based on one or more of the following criteria: it is a conservative change, it occurs at a poorly conserved position in the protein, it is predicted to be benign by multiple in silico algorithms, and/or has population frequency not consistent with disease.

Laboratory for Molecular Medicine, Mass General Brigham Personalized Medicine
Classification: Benign. Last evaluated: 2012-03-19. Review status: criteria provided, single submitter. Criteria: LMM Criteria. Collection method: clinical testing. Allele origin: germline. Observed: 266 variant alleles.
Comment: p.Thr999Thr in Exon 28 of NEBL: This variant is not expected to have clinical si gnificance because it does not alter an amino acid residue, is not located withi n the splice consensus sequence and has been identified in 12.4% (462/3738) of A frican American chromosomes from a broad population by the NHLBI Exome Sequencin g Project (dbSNP rs2296614).

Breakthrough Genomics
Classification: Benign. Review status: criteria provided, single submitter. Criteria: ACMG Guidelines, 2015. Collection method: not provided. Allele origin: germline. Inheritance: Unknown mechanism. Affected: yes.